The following is an entry in ClinVar:

NM_000051.4(ATM):c.1837G>C (p.Val613Leu)

Gene: ATM (ATM serine/threonine kinase; plus strand). Cytogenetic location: 11q22.3.
Variant type: single nucleotide variant.
Coding change: c.1837G>C on transcript NM_000051.4 (MANE Select); coding-DNA position 1837, G replaced by C.
Protein change: p.Val613Leu; replaces valine 613 with leucine.
Molecular consequence: missense variant.
Genome position (GRCh38, 1-based): chr11:108,252,851, G>C. VCF-style: chr11-108252851-G-C. GRCh37 (hg19) VCF-style: chr11-108123578-G-C.
Other names: c.1837G>C, p.Val613Leu (NM_001351834.2); short protein forms V613L.
Identifiers: ClinVar variation 1692495 (VCV001692495.2), dbSNP rs200124136, ClinGen allele CA382535818.

ClinVar aggregate classification (germline): Uncertain significance. Review status: criteria provided, multiple submitters, no conflicts (2 of 4 stars). 2 submissions from 2 submitters: Uncertain significance (2). Last evaluated 2023-10-05.

Conditions:
Hereditary cancer-predisposing syndrome. Also called: Hereditary Cancer Syndrome; Hereditary neoplastic syndrome; Neoplastic Syndromes, Hereditary; Tumor predisposition. Identifiers: Orphanet 140162, MedGen C0027672, MeSH D009386, MONDO:0015356.

Submissions (2):

Ambry Genetics
Classification: Uncertain significance for Hereditary cancer-predisposing syndrome. Last evaluated: 2023-10-05. Review status: criteria provided, single submitter. Criteria: Ambry Variant Classification Scheme 2023. Collection method: clinical testing. Allele origin: germline.
Comment: The p.V613L variant (also known as c.1837G>C), located in coding exon 11 of the ATM gene, results from a G to C substitution at nucleotide position 1837. The valine at codon 613 is replaced by leucine, an amino acid with highly similar properties. This amino acid position is highly conserved in available vertebrate species. In addition, the in silico prediction for this alteration is inconclusive. Since supporting evidence is limited at this time, the clinical significance of this alteration remains unclear.

Sema4
Classification: Uncertain significance for Hereditary cancer-predisposing syndrome. Last evaluated: 2021-05-21. Review status: criteria provided, single submitter. Criteria: Sema4 Curation Guidelines. Collection method: curation. Allele origin: germline.
Comment: The ATM c.1837G>C (p.V613L) variant has not been reported in the literature to our knowledge. This variant has not been observed in the large and broad cohorts of the Genome Aggregation Database (PMID: 32461654). This variant has not been reported in ClinVar. A different nucleotide change, c.1837G>T, that results in the same p.V613L variant at the protein level, has been reported in 1 individual with breast cancer (PMID: 19781682). In silico tools suggest the impact of the variant on protein function is inconclusive, though these predictions have not been confirmed by functional studies. The overall evidence is insufficient to meet ACMG/AMP criteria for classifying it as benign or pathogenic. In summary, the clinical significance of this variant is currently uncertain.

Literature cited by the submitters: PubMed 19781682 (cited by Sema4).